The following is an entry in ClinVar:

ClinVar aggregate classification (germline): Uncertain significance (1 of 4 stars; one submission).

Submission:

Women's Health and Genetics/Laboratory Corporation of America, LabCorp
Classification: Uncertain significance. Last evaluated: 2026-06-12. Review status: criteria provided, single submitter. Criteria: LabCorp Variant Classification Summary - May 2015. Collection method: clinical testing. Allele origin: germline.
Comment: Variant summary: HYLS1 c.382_388delCTCTGGG (p.Leu128ThrfsX2) results in a premature termination codon in the last exon, predicted to cause a truncation of the encoded protein, however, nonsense mediated decay is not expected to occur. Additionally, current evidence is not sufficient to establish loss of function as a mechanism for disease. The variant was absent in 251460 control chromosomes. The available data on variant occurrences in the general population are insufficient to allow any conclusion about variant significance. To our knowledge, no occurrence of c.382_388delCTCTGGG in individuals affected with HYLS1-related conditions and no experimental evidence demonstrating its impact on protein function have been reported. No submitters have cited clinical-significance assessments for this variant to ClinVar. Based on the evidence outlined above, the variant was classified as uncertain significance.

NM_001134793.2(HYLS1):c.382_388del (p.Leu128fs)

Genes: HYLS1 (HYLS1 centriolar and ciliogenesis associated; plus strand), PUS3 (pseudouridine synthase 3; minus strand). Cytogenetic location: 11q24.2.
Variant type: Deletion.
Coding change: c.382_388del on transcript NM_001134793.2 (MANE Select); coding-DNA positions 382 to 388, 7 bases deleted (CTCTGGG; older notation c.382_388delCTCTGGG).
Protein change: p.Leu128fs; shifts the reading frame from leucine 128.
Molecular consequence: frameshift variant. On other transcripts: intron variant (7).
Genome position (GRCh38, 1-based): chr11:125,899,750-125,899,756, CTCTGGG deleted. VCF-style (leftmost placement, unchanged base first): chr11-125899749-TCTCTGGG-T. GRCh37 (hg19) VCF-style: chr11-125769644-TCTCTGGG-T.
Other names: c.382_388del, p.Leu128fs (NM_001377269.1, NM_001377270.1, NM_001424364.1 and 1 more transcripts); c.-247+3414_-247+3420del (NM_001271985.2); c.-47+3414_-47+3420del (NM_001441241.1, NM_001441239.1, NM_031307.4); c.-247+923_-247+929del (NM_001441238.1); c.-47+923_-47+929del (NM_001441240.1, NM_001441237.1); c.382_388delCTCTGGG (NM_145014.3); short protein forms L128fs.
Identifiers: ClinVar variation 4887307 (VCV004887307.1).